The following is an entry in ClinVar:

NM_001943.5(DSG2):c.1196A>G (p.Glu399Gly)

Gene: DSG2 (desmoglein 2; plus strand). Cytogenetic location: 18q12.1.
Variant type: single nucleotide variant.
Coding change: c.1196A>G on transcript NM_001943.5 (MANE Select); coding-DNA position 1196, A replaced by G.
Protein change: p.Glu399Gly; replaces glutamic acid 399 with glycine.
Molecular consequence: missense variant.
Genome position (GRCh38, 1-based): chr18:31,531,168, A>G. VCF-style: chr18-31531168-A-G. GRCh37 (hg19) VCF-style: chr18-29111131-A-G.
Other names: short protein forms E399G.
Identifiers: ClinVar variation 3637547 (VCV003637547.2).

ClinVar aggregate classification (germline): Uncertain significance (1 of 4 stars; one submission).

Conditions:
Arrhythmogenic right ventricular dysplasia 10. Also called: Arrhythmogenic Right Ventricular Dysplasia/Cardiomyopathy10; Arrhythmogenic right ventricular dysplasia/cardiomyopathy, type 10; ARRHYTHMOGENIC RIGHT VENTRICULAR DYSPLASIA, FAMILIAL, 10. Identifiers: MedGen C1857777, MONDO:0012434, OMIM 610193.

Submission:

Labcorp Genetics (formerly Invitae), Labcorp
Classification: Uncertain significance for Arrhythmogenic right ventricular dysplasia 10. Last evaluated: 2025-01-29. Review status: criteria provided, single submitter. Criteria: Invitae Variant Classification Sherloc (09022015). Collection method: clinical testing. Allele origin: germline.
Comment: This sequence change replaces glutamic acid, which is acidic and polar, with glycine, which is neutral and non-polar, at codon 399 of the DSG2 protein (p.Glu399Gly). This variant is not present in population databases (gnomAD no frequency). This variant has not been reported in the literature in individuals affected with DSG2-related conditions. Invitae Evidence Modeling of protein sequence and biophysical properties (such as structural, functional, and spatial information, amino acid conservation, physicochemical variation, residue mobility, and thermodynamic stability) has been performed for this missense variant. However, the output from this modeling did not meet the statistical confidence thresholds required to predict the impact of this variant on DSG2 protein function. In summary, the available evidence is currently insufficient to determine the role of this variant in disease. Therefore, it has been classified as a Variant of Uncertain Significance.